The following is an entry in ClinVar:

ClinVar aggregate classification (germline): Benign/Likely benign. Review status: criteria provided, multiple submitters, no conflicts (2 of 4 stars). 3 submissions from 3 submitters: Benign (1); Likely benign (2). Last evaluated 2025-03-19.

Conditions:
Hereditary cancer-predisposing syndrome. Also called: Hereditary neoplastic syndrome; Neoplastic Syndromes, Hereditary; Hereditary Cancer Syndrome; Tumor predisposition. Identifiers: Orphanet 140162, MedGen C0027672, MeSH D009386, MONDO:0015356.
Familial cancer of breast. Also called: BREAST CANCER, FAMILIAL; hereditary breast carcinoma; Hereditary breast cancer. Identifiers: Orphanet 227535, MedGen C0346153, MONDO:0016419, OMIM 114480. Disease mechanism: loss of function.
Ataxia-telangiectasia syndrome (AT). Also called: LOUIS-BAR SYNDROME; Cerebello-oculocutaneous telangiectasia; Immunodeficiency with ataxia telangiectasia; AT, COMPLEMENTATION GROUP C; Ataxia-telangiectasia, complementation group D; ATAXIA-TELANGIECTASIA, COMPLEMENTATION GROUP A. Identifiers: Orphanet 100, MedGen C0004135, MONDO:0008840, OMIM 208900.

Submissions (3):

Labcorp Genetics (formerly Invitae), Labcorp
Classification: Likely benign for Ataxia-telangiectasia syndrome. Last evaluated: 2025-03-19. Review status: criteria provided, single submitter. Criteria: Invitae Variant Classification Sherloc (09022015). Collection method: clinical testing. Allele origin: germline.

Ambry Genetics
Classification: Likely benign for Hereditary cancer-predisposing syndrome. Last evaluated: 2024-06-27. Review status: criteria provided, single submitter. Criteria: Ambry Variant Classification Scheme 2023. Collection method: clinical testing. Allele origin: germline.

Myriad Genetics, Inc.
Classification: Benign for Familial cancer of breast. Last evaluated: 2024-05-13. Review status: criteria provided, single submitter. Criteria: Myriad Autosomal Dominant, Autosomal Recessive and X-Linked Classification Criteria (2023). Collection method: clinical testing. Allele origin: unknown.
Comment: This variant is considered benign. This variant is a silent/synonymous amino acid change and it is not expected to impact splicing.

NM_000051.4(ATM):c.3168A>C (p.Ser1056=)

Gene: ATM (ATM serine/threonine kinase; plus strand). Cytogenetic location: 11q22.3.
Variant type: single nucleotide variant.
Coding change: c.3168A>C on transcript NM_000051.4 (MANE Select); coding-DNA position 3168, A replaced by C.
Protein change: p.Ser1056=; no amino-acid change (serine 1056 retained).
Molecular consequence: synonymous variant.
Genome position (GRCh38, 1-based): chr11:108,272,736, A>C. VCF-style: chr11-108272736-A-C. GRCh37 (hg19) VCF-style: chr11-108143463-A-C.
Other names: c.3168A>C, p.Ser1056= (NM_001351834.2).
Identifiers: ClinVar variation 3254147 (VCV003254147.3), dbSNP rs1397501856.
Genomic context (GRCh38, chr11:108,272,736, plus strand): 5'-GTAATTTTTCTCTATTTCATATTTAACCACAGTTCTTTTCCCGTAGGCTGATCCTTATTC[A>C]AAATGGGCCATTCTTAATGTAATGGGAAAAGACTTTCCTGTAAATGAAGTATTTACACAA-3'
Protein context (NP_000042.3, residues 1046-1066): LKTLLEADPY[Ser1056=]KWAILNVMGK